The following is an entry in ClinVar:

NM_006929.5(SKIC2):c.1860+4C>T

Gene: SKIC2 (SKI2 subunit of superkiller complex; plus strand). Cytogenetic location: 6p21.33.
Variant type: single nucleotide variant.
Coding change: c.1860+4C>T on transcript NM_006929.5 (MANE Select); 4 bases into the intron after coding-DNA position 1860, C replaced by T.
Molecular consequence: intron variant.
Genome position (GRCh38, 1-based): chr6:31,964,129, C>T. VCF-style: chr6-31964129-C-T. GRCh37 (hg19) VCF-style: chr6-31931906-C-T.
Identifiers: ClinVar variation 4697167 (VCV004697167.1).
Genomic context (GRCh38, chr6:31,964,129, plus strand): 5'-CTCTTCCTGCAGCGCTGCCTTGCTCGCCTCCGTGGCTCTGACCGCCAGCTGCCCCAGGTG[C>T]GTCTGTGTGCGTCTGTGTGCGTGCATGCACACATTTGGCAGACTGGTGGGGATAGGGTGT-3'

ClinVar aggregate classification (germline): Uncertain significance (1 of 4 stars; one submission).

gnomAD v4.1: 83 of 1,605,434 alleles (0.0052%); highest among the groups gnomAD compares: East Asian, 0.0022%; no homozygotes.

Submission:

Labcorp Genetics (formerly Invitae), Labcorp
Classification: Uncertain significance. Last evaluated: 2025-04-14. Review status: criteria provided, single submitter. Criteria: Invitae Variant Classification Sherloc (09022015). Collection method: clinical testing. Allele origin: germline.
Comment: This sequence change falls in intron 16 of the SKIV2L gene. It does not directly change the encoded amino acid sequence of the SKIV2L protein. It affects a nucleotide within the consensus splice site. This variant is present in population databases (rs536597575, gnomAD 0.1%). This variant has not been reported in the literature in individuals affected with SKIV2L-related conditions. Variants that disrupt the consensus splice site are a relatively common cause of aberrant splicing (PMID: 17576681, 9536098). Algorithms developed to predict the effect of sequence changes on RNA splicing suggest that this variant is not likely to affect RNA splicing. In summary, the available evidence is currently insufficient to determine the role of this variant in disease. Therefore, it has been classified as a Variant of Uncertain Significance.

Literature cited by the submitters: PubMed 17576681; PubMed 9536098.